The following is an entry in ClinVar:

ClinVar aggregate classification (germline): Likely benign (0 of 4 stars; one submission).

Conditions:
ARID5A-related disorder. Also called: ARID5A-related condition.

Allele frequency attached by ClinVar (database versions not stated): gnomAD exomes 0.00008; ExAC 0.00029; 1000 Genomes Project 0.00080; TOPMed 0.00089; ESP Exome Variant Server 0.00094; gnomAD 0.00094; 1000 Genomes Project 30x 0.00109.
gnomAD v4.1: 264 of 1,596,498 alleles (0.017%); highest among the groups gnomAD compares: African/African-American, 0.34%; 2 homozygotes.

Submission:

PreventionGenetics, part of Exact Sciences
Classification: Likely benign for ARID5A-related condition. Last evaluated: 2023-04-17. Review status: no assertion criteria provided. Collection method: clinical testing. Allele origin: germline.
Comment: This variant is classified as likely benign based on ACMG/AMP sequence variant interpretation guidelines (Richards et al. 2015 PMID: 25741868, with internal and published modifications).

NM_212481.3(ARID5A):c.911T>C (p.Leu304Pro)

Gene: ARID5A (AT-rich interaction domain 5A; plus strand). Cytogenetic location: 2q11.2.
Variant type: single nucleotide variant.
Coding change: c.911T>C on transcript NM_212481.3 (MANE Select); coding-DNA position 911, T replaced by C.
Protein change: p.Leu304Pro; replaces leucine 304 with proline.
Molecular consequence: missense variant.
Genome position (GRCh38, 1-based): chr2:96,551,439, T>C. VCF-style: chr2-96551439-T-C. GRCh37 (hg19) VCF-style: chr2-97217176-T-C.
Other names: c.1073T>C, p.Leu358Pro (NM_001319085.2); c.1070T>C, p.Leu357Pro (NM_001319087.2); c.707T>C, p.Leu236Pro (NM_001319092.1); c.419T>C, p.Leu140Pro (NM_001319093.2, NM_001319094.2, NM_001319096.2); short protein forms L140P, L236P, L304P, L357P, L358P.
Identifiers: ClinVar variation 3039948 (VCV003039948.2), dbSNP rs200133265, ClinGen allele CA1780749.
Genomic context (GRCh38, chr2:96,551,439, plus strand): 5'-CAGAGCCCCAGGCGTCCCCAGCTGTTCACCTCCCAGAGAGTCCCCAGAGCCCCAAAGGGC[T>C]GACTGAGAACTCCAGGCACCGGCTGACCCCTCAGGAGGGATTGCAGGCCCCAGGTGGCAG-3'
Protein context (NP_997646.1, residues 294-314): LPESPQSPKG[Leu304Pro]TENSRHRLTP